The following is an entry in ClinVar:

NM_004991.4(MECOM):c.3258G>C (p.Leu1086Phe)

Gene: MECOM (MDS1 and EVI1 complex locus; minus strand). Cytogenetic location: 3q26.2.
Variant type: single nucleotide variant.
Coding change: c.3258G>C on transcript NM_004991.4 (MANE Select); coding-DNA position 3258, G replaced by C.
Protein change: p.Leu1086Phe; replaces leucine 1086 with phenylalanine.
Molecular consequence: missense variant.
Genome position (GRCh38, 1-based): chr3:169,090,143, C>G on the plus strand (G>C on the coding strand, the complement: MECOM is on the minus strand). VCF-style: chr3-169090143-C-G. GRCh37 (hg19) VCF-style: chr3-168807931-C-G.
Other names: c.2889G>C, p.Leu963Phe (NM_001105077.4); c.2694G>C, p.Leu898Phe (NM_001105078.4, NM_001205194.2, NM_001366469.2 and 1 more transcripts); c.2670G>C, p.Leu890Phe (NM_001163999.2, NM_001366470.2); c.2667G>C, p.Leu889Phe (NM_001164000.2, NM_001366471.2, NM_001366472.2); c.3231G>C, p.Leu1077Phe (NM_001366466.2); c.2697G>C, p.Leu899Phe (NM_001366467.2, NM_001366468.2); c.2259G>C, p.Leu753Phe (NM_001366473.2); c.1695G>C, p.Leu565Phe (NM_001366474.2); short protein forms L889F, L898F, L753F, L890F, L1086F, L1077F, L565F, L899F.
Identifiers: ClinVar variation 3871738 (VCV003871738.1).

ClinVar aggregate classification (germline): Uncertain significance (1 of 4 stars; one submission).

Conditions:
Inborn genetic diseases. Identifiers: MedGen C0950123, MeSH D030342.

gnomAD v4.1: 6 of 1,613,348 alleles (0.00037%); highest among the groups gnomAD compares: African/African-American, 0.0067%; no homozygotes.

Submission:

Ambry Genetics
Classification: Uncertain significance for Inborn genetic diseases. Last evaluated: 2025-01-21. Review status: criteria provided, single submitter. Criteria: Ambry Variant Classification Scheme 2023. Collection method: clinical testing. Allele origin: germline.
Comment: The p.L1086F variant (also known as c.3258G>C), located in coding exon 15 of the MECOM gene, results from a G to C substitution at nucleotide position 3258. The leucine at codon 1086 is replaced by phenylalanine, an amino acid with highly similar properties. This amino acid position is conserved. In addition, this alteration is predicted to be tolerated by in silico analysis. Based on the available evidence, the clinical significance of this variant remains unclear.